The following is an entry in ClinVar:

ClinVar aggregate classification (germline): Uncertain significance (1 of 4 stars; one submission).

Submission:

Labcorp Genetics (formerly Invitae), Labcorp
Classification: Uncertain significance. Last evaluated: 2023-11-27. Review status: criteria provided, single submitter. Criteria: Invitae Variant Classification Sherloc (09022015). Collection method: clinical testing. Allele origin: germline.
Comment: This sequence change replaces proline, which is neutral and non-polar, with leucine, which is neutral and non-polar, at codon 128 of the NEXMIF protein (p.Pro128Leu). This variant is not present in population databases (gnomAD no frequency). This variant has not been reported in the literature in individuals affected with NEXMIF-related conditions. An algorithm developed to predict the effect of missense changes on protein structure and function (PolyPhen-2) suggests that this variant is likely to be disruptive. In summary, the available evidence is currently insufficient to determine the role of this variant in disease. Therefore, it has been classified as a Variant of Uncertain Significance.

NM_001008537.3(NEXMIF):c.383C>T (p.Pro128Leu)

Gene: NEXMIF (neurite extension and migration factor; minus strand). Cytogenetic location: Xq13.3.
Variant type: single nucleotide variant.
Coding change: c.383C>T on transcript NM_001008537.3 (MANE Select); coding-DNA position 383, C replaced by T.
Protein change: p.Pro128Leu; replaces proline 128 with leucine.
Molecular consequence: missense variant.
Genome position (GRCh38, 1-based): chrX:74,744,174, G>A on the plus strand (C>T on the coding strand, the complement: NEXMIF is on the minus strand). VCF-style: chrX-74744174-G-A. GRCh37 (hg19) VCF-style: chrX-73964009-G-A.
Other names: short protein forms P128L.
Identifiers: ClinVar variation 2744897 (VCV002744897.3), dbSNP rs2519916750, ClinGen allele CA413673599.